The following is an entry in ClinVar:

ClinVar aggregate classification (germline): Uncertain significance (1 of 4 stars; one submission).

Allele frequency attached by ClinVar (database versions not stated): gnomAD exomes below 0.00001; gnomAD 0.00001; TOPMed 0.00002.
gnomAD v4.1: 3 of 1,607,052 alleles (0.00019%); highest among the groups gnomAD compares: African/African-American, 0.004%; no homozygotes.

Submission:

Labcorp Genetics (formerly Invitae), Labcorp
Classification: Uncertain significance. Last evaluated: 2022-03-27. Review status: criteria provided, single submitter. Criteria: Invitae Variant Classification Sherloc (09022015). Collection method: clinical testing. Allele origin: germline.
Comment: This variant has not been reported in the literature in individuals affected with PISD-related conditions. The frequency data for this variant in the population databases is considered unreliable, as metrics indicate poor data quality at this position in the gnomAD database. This sequence change replaces alanine, which is neutral and non-polar, with threonine, which is neutral and polar, at codon 17 of the PISD protein (p.Ala17Thr). Algorithms developed to predict the effect of missense changes on protein structure and function are either unavailable or do not agree on the potential impact of this missense change (SIFT: "Not Available"; PolyPhen-2: "Benign"; Align-GVGD: "Not Available"). In summary, the available evidence is currently insufficient to determine the role of this variant in disease. Therefore, it has been classified as a Variant of Uncertain Significance.

NM_001326411.2(PISD):c.49G>A (p.Ala17Thr)

Genes: PISD (phosphatidylserine decarboxylase; minus strand), LOC126863123 (P300/CBP strongly-dependent group 1 enhancer GRCh37_chr22:32057235-32058434; plus strand). Cytogenetic location: 22q12.2.
Variant type: single nucleotide variant.
Coding change: c.49G>A on transcript NM_001326411.2 (MANE Select); coding-DNA position 49, G replaced by A.
Protein change: p.Ala17Thr; replaces alanine 17 with threonine.
Molecular consequence: missense variant. On other transcripts: 5 prime UTR variant (8).
Genome position (GRCh38, 1-based): chr22:31,662,160, C>T on the plus strand (G>A on the coding strand, the complement: PISD is on the minus strand). VCF-style: chr22-31662160-C-T. GRCh37 (hg19) VCF-style: chr22-32058146-C-T.
Other names: c.49G>A, p.Ala17Thr (NM_001326412.1, NM_001326421.1); c.-101G>A (NM_001326413.2); c.-181G>A (NM_001326414.2); c.-394G>A (NM_001326415.2); c.-583G>A (NM_001326416.2); c.-474G>A (NM_001326417.2, NM_001326419.2); c.-52G>A (NM_001326418.2, NM_001326420.2); short protein forms A17T.
Identifiers: ClinVar variation 1988569 (VCV001988569.4), dbSNP rs958754921, ClinGen allele CA323346054.